The following is an entry in ClinVar:

NC_000002.11:g.(?_131098481)_(131104041_?)del

Genes: CCDC115 (coiled-coil domain containing 115; minus strand), IMP4 (IMP U3 small nucleolar ribonucleoprotein 4; plus strand). Cytogenetic location: 2q21.1.
Variant type: Deletion.
Identifiers: ClinVar variation 1074572 (VCV001074572.1).

ClinVar aggregate classification (germline): Pathogenic (1 of 4 stars; one submission).

Submission:

Labcorp Genetics (formerly Invitae), Labcorp
Classification: Pathogenic. Last evaluated: 2017-11-01. Review status: criteria provided, single submitter. Criteria: Invitae Variant Classification Sherloc (09022015). Collection method: clinical testing. Allele origin: germline.
Comment: A gross deletion of the genomic region encompassing the full coding sequence of the CCDC115 gene has been identified. The boundaries of this event are unknown as the deletion extends beyond the assayed region for this gene and therefore may encompass additional genes. This variant has not been reported in the literature in individuals with CCDC115-related disease. Loss-of-function variants in CCDC115 are known to be pathogenic (PMID: 26833332). For these reasons, this variant has been classified as Pathogenic.

Literature cited by the submitters: PubMed 26833332.